The following is an entry in ClinVar:

ClinVar aggregate classification (germline): Uncertain significance. Review status: criteria provided, multiple submitters, no conflicts (2 of 4 stars). 2 submissions from 2 submitters: Uncertain significance (2). Last evaluated 2026-01-20.

Conditions:
Congenital myopathy with internal nuclei and atypical cores. Also called: Myopathy, centronuclear, 4. Identifiers: Orphanet 319160, MedGen C4707232, MONDO:0013890, OMIM 614807.
Inborn genetic diseases. Identifiers: MedGen C0950123, MeSH D030342.

Allele frequency attached by ClinVar (database versions not stated): gnomAD exomes 0.00005; gnomAD 0.00006 and 0.00007; ExAC 0.00007; TOPMed 0.00007; ESP Exome Variant Server 0.00015.
gnomAD v4.1: 298 of 1,612,684 alleles (0.018%); highest among the groups gnomAD compares: Non-Finnish European, 0.024%; no homozygotes.

Submissions (2):

Labcorp Genetics (formerly Invitae), Labcorp
Classification: Uncertain significance for Congenital myopathy with internal nuclei and atypical cores. Last evaluated: 2026-01-20. Review status: criteria provided, single submitter. Criteria: Invitae Variant Classification Sherloc (09022015). Collection method: clinical testing. Allele origin: germline.
Comment: This sequence change replaces arginine, which is basic and polar, with lysine, which is basic and polar, at codon 130 of the CCDC78 protein (p.Arg130Lys). This variant is present in population databases (rs375016420, gnomAD 0.009%). This variant has not been reported in the literature in individuals affected with CCDC78-related conditions. ClinVar contains an entry for this variant (Variation ID: 583302). Invitae Evidence Modeling of protein sequence and biophysical properties (such as structural, functional, and spatial information, amino acid conservation, physicochemical variation, residue mobility, and thermodynamic stability) indicates that this missense variant is not expected to disrupt CCDC78 protein function with a negative predictive value of 80%. In summary, the available evidence is currently insufficient to determine the role of this variant in disease. Therefore, it has been classified as a Variant of Uncertain Significance.

Ambry Genetics
Classification: Uncertain significance for Inborn genetic diseases. Last evaluated: 2024-01-02. Review status: criteria provided, single submitter. Criteria: Ambry Variant Classification Scheme 2023. Collection method: clinical testing. Allele origin: germline.

NM_001378030.1(CCDC78):c.389G>A (p.Arg130Lys)

Gene: CCDC78 (coiled-coil domain containing 78; minus strand). Cytogenetic location: 16p13.3.
Variant type: single nucleotide variant.
Coding change: c.389G>A on transcript NM_001378030.1 (MANE Select); coding-DNA position 389, G replaced by A.
Protein change: p.Arg130Lys; replaces arginine 130 with lysine.
Molecular consequence: missense variant. On other transcripts: non-coding transcript variant (5), intron variant (1).
Genome position (GRCh38, 1-based): chr16:725,459, C>T on the plus strand (G>A on the coding strand, the complement: CCDC78 is on the minus strand). VCF-style: chr16-725459-C-T. GRCh37 (hg19) VCF-style: chr16-775459-C-T.
Other names: c.389G>A, p.Arg130Lys (NM_001031737.3, NM_001378031.1); c.-18-166G>A (NM_001378033.1); short protein forms R130K.
Identifiers: ClinVar variation 583302 (VCV000583302.9), dbSNP rs375016420, ClinGen allele CA7789630.